The following is an entry in ClinVar:

ClinVar aggregate classification (germline): Uncertain significance (1 of 4 stars; one submission).

Conditions:
Primary ciliary dyskinesia. Also called: Ciliary dyskinesia. Identifiers: Orphanet 244, MedGen C0008780, MONDO:0016575, HP:0012265.

Submission:

Labcorp Genetics (formerly Invitae), Labcorp
Classification: Uncertain significance for Primary ciliary dyskinesia. Last evaluated: 2018-08-20. Review status: criteria provided, single submitter. Criteria: Invitae Variant Classification Sherloc (09022015). Collection method: clinical testing. Allele origin: germline.
Comment: This sequence change replaces alanine with valine at codon 3830 of the DNAH11 protein (p.Ala3830Val). The alanine residue is highly conserved and there is a small physicochemical difference between alanine and valine. This variant is not present in population databases (ExAC no frequency). This variant has not been reported in the literature in individuals with DNAH11-related disease. Algorithms developed to predict the effect of missense changes on protein structure and function (SIFT, PolyPhen-2, Align-GVGD) all suggest that this variant is likely to be tolerated, but these predictions have not been confirmed by published functional studies and their clinical significance is uncertain. In summary, the available evidence is currently insufficient to determine the role of this variant in disease. Therefore, it has been classified as a Variant of Uncertain Significance.

NM_001277115.2(DNAH11):c.11489C>T (p.Ala3830Val)

Gene: DNAH11 (dynein axonemal heavy chain 11; plus strand). Cytogenetic location: 7p15.3.
Variant type: single nucleotide variant.
Coding change: c.11489C>T on transcript NM_001277115.2 (MANE Select); coding-DNA position 11489, C replaced by T.
Protein change: p.Ala3830Val; replaces alanine 3830 with valine.
Molecular consequence: missense variant.
Genome position (GRCh38, 1-based): chr7:21,864,650, C>T. VCF-style: chr7-21864650-C-T. GRCh37 (hg19) VCF-style: chr7-21904268-C-T.
Other names: short protein forms A3830V.
Identifiers: ClinVar variation 650467 (VCV000650467.9), dbSNP rs1384924530, ClinGen allele CA366961795.